The following is an entry in ClinVar:

NM_000632.4(ITGAM):c.3145G>T (p.Gly1049Cys)

Gene: ITGAM (integrin subunit alpha M; plus strand). Cytogenetic location: 16p11.2.
Variant type: single nucleotide variant.
Coding change: c.3145G>T on transcript NM_000632.4 (MANE Select); coding-DNA position 3145, G replaced by T.
Protein change: p.Gly1049Cys; replaces glycine 1049 with cysteine.
Molecular consequence: missense variant.
Genome position (GRCh38, 1-based): chr16:31,330,392, G>T. VCF-style: chr16-31330392-G-T. GRCh37 (hg19) VCF-style: chr16-31341713-G-T.
Other names: c.3148G>T, p.Gly1050Cys (NM_001145808.2); short protein forms G1050C, G1049C.
Identifiers: ClinVar variation 1480489 (VCV001480489.6), dbSNP rs770683339, ClinGen allele CA280627567.
Genomic context (GRCh38, chr16:31,330,392, plus strand): 5'-AGAATCCAGTGTGACATCCCGTTCTTTGGCATCCAGGAAGAATTCAATGCTACCCTCAAA[G>T]GCAACCTCTCGTTTGACTGGTACATCAAGGTGTGTGGGGTCCTGAGGCTTCGCCGGGCAC-3'
Protein context (NP_000623.2, residues 1039-1059): IQEEFNATLK[Gly1049Cys]NLSFDWYIKT

ClinVar aggregate classification (germline): Uncertain significance (1 of 4 stars; one submission).

gnomAD v4.1: 1 of 1,613,808 alleles (0.000062%); highest among the groups gnomAD compares: Admixed American, 0.0017%; no homozygotes.

Submission:

Labcorp Genetics (formerly Invitae), Labcorp
Classification: Uncertain significance. Last evaluated: 2022-08-24. Review status: criteria provided, single submitter. Criteria: Invitae Variant Classification Sherloc (09022015). Collection method: clinical testing. Allele origin: germline.
Comment: This variant has not been reported in the literature in individuals affected with ITGAM-related conditions. This sequence change replaces glycine, which is neutral and non-polar, with cysteine, which is neutral and slightly polar, at codon 1049 of the ITGAM protein (p.Gly1049Cys). This variant is not present in population databases (gnomAD no frequency). ClinVar contains an entry for this variant (Variation ID: 1480489). Algorithms developed to predict the effect of missense changes on protein structure and function (SIFT, PolyPhen-2, Align-GVGD) all suggest that this variant is likely to be disruptive. In summary, the available evidence is currently insufficient to determine the role of this variant in disease. Therefore, it has been classified as a Variant of Uncertain Significance.